The following is an entry in ClinVar:

ClinVar aggregate classification (germline): Uncertain significance (1 of 4 stars; one submission).

Conditions:
Hereditary cancer-predisposing syndrome. Also called: Neoplastic Syndromes, Hereditary; Tumor predisposition; Hereditary Cancer Syndrome; Hereditary neoplastic syndrome. Identifiers: Orphanet 140162, MedGen C0027672, MeSH D009386, MONDO:0015356.

Submission:

Ambry Genetics
Classification: Uncertain significance for Hereditary cancer-predisposing syndrome. Last evaluated: 2020-11-19. Review status: criteria provided, single submitter. Criteria: Ambry Variant Classification Scheme 2023. Collection method: clinical testing. Allele origin: germline.
Comment: The p.Q524* variant (also known as c.1570C>T), located in coding exon 4 of the MET gene, results from a C to T substitution at nucleotide position 1570. This changes the amino acid from a glutamine to a stop codon within coding exon 4. This alteration is expected to result in premature protein truncation or nonsense-mediated mRNA decay. However, loss of function of MET has not been clearly established as a mechanism of disease. Since supporting evidence is limited at this time, the clinical significance of this alteration remains unclear.

NM_000245.4(MET):c.1570C>T (p.Gln524Ter)

Gene: MET (MET proto-oncogene, receptor tyrosine kinase; plus strand). Cytogenetic location: 7q31.2.
Variant type: single nucleotide variant.
Coding change: c.1570C>T on transcript NM_000245.4 (MANE Select); coding-DNA position 1570, C replaced by T.
Protein change: p.Gln524Ter; replaces glutamine 524 with a stop codon.
Molecular consequence: nonsense.
Genome position (GRCh38, 1-based): chr7:116,740,894, C>T. VCF-style: chr7-116740894-C-T. GRCh37 (hg19) VCF-style: chr7-116380948-C-T.
Other names: c.1570C>T, p.Gln524Ter (NM_001127500.3, NM_001324401.3); c.280C>T, p.Gln94Ter (NM_001324402.2); short protein forms Q94*, Q524*.
Identifiers: ClinVar variation 1775503 (VCV001775503.2), dbSNP rs2116834835, ClinGen allele CA368975167.